The following is an entry in ClinVar:

ClinVar aggregate classification (germline): Uncertain significance (1 of 4 stars; one submission).

Submission:

Labcorp Genetics (formerly Invitae), Labcorp
Classification: Uncertain significance. Last evaluated: 2025-08-06. Review status: criteria provided, single submitter. Criteria: Invitae Variant Classification Sherloc (09022015). Collection method: clinical testing. Allele origin: germline.
Comment: This sequence change replaces proline, which is neutral and non-polar, with leucine, which is neutral and non-polar, at codon 831 of the EMC1 protein (p.Pro831Leu). This variant is present in population databases (no rsID available, gnomAD 0.003%). This variant has not been reported in the literature in individuals affected with EMC1-related conditions. ClinVar contains an entry for this variant (Variation ID: 3019450). An algorithm developed to predict the effect of missense changes on protein structure and function (PolyPhen-2) suggests that this variant is likely to be disruptive. In summary, the available evidence is currently insufficient to determine the role of this variant in disease. Therefore, it has been classified as a Variant of Uncertain Significance.

NM_015047.3(EMC1):c.2492_2493delinsTT (p.Pro831Leu)

Genes: EMC1 (ER membrane protein complex subunit 1; minus strand), EMC1-AS1 (EMC1 antisense RNA 1; plus strand). Cytogenetic location: 1p36.13.
Variant type: Indel.
Coding change: c.2492_2493delinsTT on transcript NM_015047.3 (MANE Select); coding-DNA positions 2492 to 2493, CC replaced by TT.
Protein change: p.Pro831Leu; replaces proline 831 with leucine.
Molecular consequence: missense variant.
Genome position (GRCh38, 1-based): chr1:19,222,718-19,222,719, GG replaced by AA on the plus strand (CC replaced by TT on the coding strand, the reverse complement: EMC1 is on the minus strand). VCF-style: chr1-19222718-GG-AA. GRCh37 (hg19) VCF-style: chr1-19549212-GG-AA.
Other names: c.2489_2490delinsTT, p.Pro830Leu (NM_001271427.2, NM_001271428.2); c.2426_2427delinsTT, p.Pro809Leu (NM_001271429.2); c.2501_2502delinsTT, p.Pro834Leu (NM_001375820.1); c.2498_2499delinsTT, p.Pro833Leu (NM_001375821.1); short protein forms P834L, P833L, P809L, P830L, P831L.
Identifiers: ClinVar variation 3019450 (VCV003019450.3), dbSNP rs2536665610, ClinGen allele CA2740090612.
Genomic context (GRCh38, chr1:19,222,718, plus strand): 5'-GATGGTGGCCTCCATGGCACTGATGGAGGACGGGAAGATATAGGACTGCTGGAGGACCTG[GG>AA]GCAGCTGGGGGCGGTCCAGGGAGCTGAAGGCGGTGGCGTTGTATTGCTCAGTGCCCTCAT-3'
Protein context (NP_055862.1, residues 821-841): AFSSLDRPQL[Pro831Leu]QVLQQSYIFP